The following is an entry in ClinVar:

ClinVar aggregate classification (germline): Conflicting classifications of pathogenicity. Review status: criteria provided, conflicting classifications (1 of 4 stars). 8 submissions from 8 submitters: Uncertain significance (7); Benign (1). Last evaluated 2025-12-30.

Conditions:
Inborn genetic diseases. Identifiers: MedGen C0950123, MeSH D030342.
Bethlem myopathy 2 (BTHLM2). Identifiers: Orphanet 536516, Orphanet 610, MedGen C4225313, MONDO:0034022, OMIM 616471.
Ullrich congenital muscular dystrophy 2 (UCMD2). Identifiers: Orphanet 75840, MedGen C4225314, MONDO:0014654, OMIM 616470.

Allele frequency attached by ClinVar (database versions not stated): gnomAD exomes 0.00002 and 0.00006; ExAC 0.00008; ESP Exome Variant Server 0.00008; gnomAD 0.00021 and 0.00023; TOPMed 0.00024; 1000 Genomes Project 0.00060; 1000 Genomes Project 30x 0.00094.
gnomAD v4.1: 63 of 1,613,192 alleles (0.0039%); highest among the groups gnomAD compares: African/African-American, 0.069%; no homozygotes.

Submissions (8):

Women's Health and Genetics/Laboratory Corporation of America, LabCorp
Classification: Uncertain significance. Last evaluated: 2025-12-30. Review status: criteria provided, single submitter. Criteria: LabCorp Variant Classification Summary - May 2015. Collection method: clinical testing. Allele origin: germline.
Comment: Variant summary: COL12A1 c.607C>A (p.Leu203Ile) results in a conservative amino acid change in the encoded protein sequence. Algorithms developed to predict the effect of missense changes on protein structure and function are either unavailable or do not agree on the potential impact of this missense change. The variant allele was found at a frequency of 6.5e-05 in 247854 control chromosomes. This frequency is not significantly higher than estimated for disease-causing variants in COL12A1, allowing no conclusion about variant significance. To our knowledge, no occurrence of c.607C>A in individuals affected with COL12A1-related conditions and no experimental evidence demonstrating its impact on protein function have been reported. The following publication has been ascertained in the context of this evaluation (PMID: 33840812). ClinVar contains an entry for this variant (Variation ID: 475884). Based on the evidence outlined above, the variant was classified as uncertain significance.

GeneDx
Classification: Uncertain significance. Last evaluated: 2025-08-13. Review status: criteria provided, single submitter. Criteria: GeneDx Variant Classification Process June 2021. Collection method: clinical testing. Allele origin: germline. Affected: yes.
Comment: Has not been previously published as pathogenic or benign to our knowledge; In silico analysis suggests that this missense variant does not alter protein structure/function

Labcorp Genetics (formerly Invitae), Labcorp
Classification: Benign for Bethlem myopathy 2; Ullrich congenital muscular dystrophy 2. Last evaluated: 2025-07-09. Review status: criteria provided, single submitter. Criteria: Invitae Variant Classification Sherloc (09022015). Collection method: clinical testing. Allele origin: germline.

Ambry Genetics
Classification: Uncertain significance for Inborn genetic diseases. Last evaluated: 2024-03-11. Review status: criteria provided, single submitter. Criteria: Ambry Variant Classification Scheme 2023. Collection method: clinical testing. Allele origin: germline.

CeGaT Center for Human Genetics Tuebingen
Classification: Uncertain significance. Last evaluated: 2023-01-01. Review status: criteria provided, single submitter. Criteria: CeGaT Center For Human Genetics Tuebingen Variant Classification Criteria Version 2. Collection method: clinical testing. Allele origin: germline. Affected: yes. Observed: 1 variant allele.

Blueprint Genetics
Classification: Uncertain significance. Last evaluated: 2022-10-24. Review status: criteria provided, single submitter. Criteria: ACMG Guidelines, 2015. Collection method: clinical testing. Allele origin: germline.

Revvity Omics, Revvity
Classification: Uncertain significance. Last evaluated: 2022-03-10. Review status: criteria provided, single submitter. Criteria: ACMG Guidelines, 2015. Collection method: clinical testing. Allele origin: germline.

Fulgent Genetics
Classification: Uncertain significance for Ullrich congenital muscular dystrophy 2; Bethlem myopathy 2. Last evaluated: 2021-08-09. Review status: criteria provided, single submitter. Criteria: ACMG Guidelines, 2015. Collection method: clinical testing. Allele origin: unknown.

Literature cited by the submitters: PubMed 33840812 (cited by Women's Health and Genetics/Laboratory Corporation of America, LabCorp).

NM_004370.6(COL12A1):c.607C>A (p.Leu203Ile)

Gene: COL12A1 (collagen type XII alpha 1 chain; minus strand). Cytogenetic location: 6q13.
Variant type: single nucleotide variant.
Coding change: c.607C>A on transcript NM_004370.6 (MANE Select); coding-DNA position 607, C replaced by A.
Protein change: p.Leu203Ile; replaces leucine 203 with isoleucine.
Molecular consequence: missense variant. On other transcripts: intron variant (1).
Genome position (GRCh38, 1-based): chr6:75,189,603, G>T on the plus strand (C>A on the coding strand, the complement: COL12A1 is on the minus strand). VCF-style: chr6-75189603-G-T. GRCh37 (hg19) VCF-style: chr6-75899319-G-T.
Other names: c.73+13117C>A (NM_080645.3); short protein forms L203I.
Identifiers: ClinVar variation 475884 (VCV000475884.49), dbSNP rs375673671, ClinGen allele CA3894392.
Genomic context (GRCh38, chr6:75,189,603, plus strand): 5'-AGAACATACCTGTCATTGTGTTGCCACCTTTATATGGAATTTTTTTTATTGCAGCAAGAA[G>T]TTCATCCCTTTGGTAGTACTGATTTAAGTTAAATTCAGTCCTGGTATCAGAGCTGTATTG-3'
Protein context (NP_004361.3, residues 193-213): NLNQYYQRDE[Leu203Ile]LAAIKKIPYK